The following is an entry in ClinVar:

NM_014141.6(CNTNAP2):c.834T>C (p.Ser278=)

Gene: CNTNAP2 (contactin associated protein 2; plus strand). Cytogenetic location: 7q35.
Variant type: single nucleotide variant.
Coding change: c.834T>C on transcript NM_014141.6 (MANE Select); coding-DNA position 834, T replaced by C.
Protein change: p.Ser278=; no amino-acid change (serine 278 retained).
Molecular consequence: synonymous variant.
Genome position (GRCh38, 1-based): chr7:147,121,058, T>C. VCF-style: chr7-147121058-T-C. GRCh37 (hg19) VCF-style: chr7-146818150-T-C.
Other names: p.S278S:TCT>TCC.
Identifiers: ClinVar variation 136810 (VCV000136810.24), dbSNP rs61732854, ClinGen allele CA290164.

ClinVar aggregate classification (germline): Benign/Likely benign. Review status: criteria provided, multiple submitters, no conflicts (2 of 4 stars). 6 submissions from 6 submitters: Benign (4); Likely benign (2). Last evaluated 2026-02-03.

Conditions:
Inborn genetic diseases. Identifiers: MedGen C0950123, MeSH D030342.
Cortical dysplasia-focal epilepsy syndrome (PTHSL1). Also called: Pitt-Hopkins-like syndrome 1. Identifiers: Orphanet 163681, Orphanet 221150, MedGen C2750246, MONDO:0012400, OMIM 610042.

Allele frequency attached by ClinVar (database versions not stated): gnomAD exomes 0.00081 and 0.00219; ExAC 0.00292; gnomAD 0.00843 and 0.00910; 1000 Genomes Project 0.00879; TOPMed 0.00934; ESP Exome Variant Server 0.00961; 1000 Genomes Project 30x 0.01031.
gnomAD v4.1: 2,493 of 1,614,036 alleles (0.15%); highest among the groups gnomAD compares: African/African-American, 2.9%; 39 homozygotes.

Submissions (6):

Labcorp Genetics (formerly Invitae), Labcorp
Classification: Benign for Cortical dysplasia-focal epilepsy syndrome. Last evaluated: 2026-02-03. Review status: criteria provided, single submitter. Criteria: Invitae Variant Classification Sherloc (09022015). Collection method: clinical testing. Allele origin: germline.

Genetic Services Laboratory, University of Chicago
Classification: Benign. Last evaluated: 2018-12-03. Review status: criteria provided, single submitter. Criteria: ACMG Guidelines, 2015. Collection method: clinical testing. Allele origin: germline. Affected: no.

Illumina Laboratory Services, Illumina
Classification: Benign for Cortical dysplasia-focal epilepsy syndrome. Last evaluated: 2018-01-12. Review status: criteria provided, single submitter. Criteria: ICSL Variant Classification Criteria 13 December 2019. Collection method: clinical testing. Allele origin: germline.
Comment: This variant was observed in the ICSL laboratory as part of a predisposition screen in an ostensibly healthy population. It had not been previously curated by ICSL or reported in the Human Gene Mutation Database (HGMD: prior to June 1st, 2018), and was therefore a candidate for classification through an automated scoring system. Utilizing variant allele frequency, disease prevalence and penetrance estimates, and inheritance mode, an automated score was calculated to assess if this variant is too frequent to cause the disease. Based on the score and internal cut-off values, a variant classified as benign is not then subjected to further curation. The score for this variant resulted in a classification of benign for this disease.

Ambry Genetics
Classification: Likely benign for Inborn genetic diseases. Last evaluated: 2016-03-16. Review status: criteria provided, single submitter. Criteria: Ambry Variant Classification Scheme 2023. Collection method: clinical testing. Allele origin: germline.

GeneDx
Classification: Benign. Last evaluated: 2013-02-20. Review status: criteria provided, single submitter. Criteria: GeneDx Variant Classification (06012015). Collection method: clinical testing. Allele origin: germline. Affected: yes.
Comment: This variant is considered likely benign or benign based on one or more of the following criteria: it is a conservative change, it occurs at a poorly conserved position in the protein, it is predicted to be benign by multiple in silico algorithms, and/or has population frequency not consistent with disease.

Breakthrough Genomics
Classification: Likely benign. Review status: criteria provided, single submitter. Criteria: ACMG Guidelines, 2015. Collection method: not provided. Allele origin: germline. Inheritance: Autosomal recessive inheritance. Affected: yes.